The following is an entry in ClinVar:

ClinVar aggregate classification (germline): Likely benign. Review status: criteria provided, multiple submitters, no conflicts (2 of 4 stars). 2 submissions from 2 submitters: Likely benign (2). Last evaluated 2025-03-27.

Conditions:
Inborn genetic diseases. Identifiers: MedGen C0950123, MeSH D030342.
DNMT3A-related disorder. Also called: DNMT3A-related disorders; DNMT3A-related condition.

Submissions (2):

Ambry Genetics
Classification: Likely benign for Inborn genetic diseases. Last evaluated: 2025-03-27. Review status: criteria provided, single submitter. Criteria: Ambry Variant Classification Scheme 2023. Collection method: clinical testing. Allele origin: germline.

PreventionGenetics, part of Exact Sciences
Classification: Likely benign for DNMT3A-related condition. Last evaluated: 2025-03-19. Review status: criteria provided, single submitter. Criteria: ACMG Guidelines, 2015. Collection method: clinical testing. Allele origin: germline.
Comment: This variant is classified as likely benign based on ACMG/AMP sequence variant interpretation guidelines (Richards et al. 2015 PMID: 25741868, with internal and published modifications).

NM_022552.5(DNMT3A):c.2223G>T (p.Ala741=)

Gene: DNMT3A (DNA methyltransferase 3 alpha; minus strand). Cytogenetic location: 2p23.3.
Variant type: single nucleotide variant.
Coding change: c.2223G>T on transcript NM_022552.5 (MANE Select); coding-DNA position 2223, G replaced by T.
Protein change: p.Ala741=; no amino-acid change (alanine 741 retained).
Molecular consequence: synonymous variant. On other transcripts: non-coding transcript variant (1).
Genome position (GRCh38, 1-based): chr2:25,240,401, C>A on the plus strand (G>T on the coding strand, the complement: DNMT3A is on the minus strand). VCF-style: chr2-25240401-C-A. GRCh37 (hg19) VCF-style: chr2-25463270-C-A.
Other names: c.1767G>T, p.Ala589= (NM_001320893.1); c.1554G>T, p.Ala518= (NM_001375819.1); c.1656G>T, p.Ala552= (NM_153759.3); c.2223G>T, p.Ala741= (NM_175629.2).
Identifiers: ClinVar variation 4013893 (VCV004013893.2).
Genomic context (GRCh38, chr2:25,240,401, plus strand): 5'-CATGGCCACCACATTCTCAAAGAGCCAGAAGAAGGGGCGATCATCTCCCTCCTTGGGCCG[C>A]GCATCATGCAGGAGGCGGTAGAACTCAAAGAAGAGCCGGCCAGTGCCCTCTGAGAGGTCG-3'
Protein context (NP_072046.2, residues 731-751): FFEFYRLLHD[Ala741=]RPKEGDDRPF